The following is an entry in ClinVar:

ClinVar aggregate classification (germline): Uncertain significance (1 of 4 stars; one submission).

Conditions:
Familial adenomatous polyposis 1 (FAP1). Also called: FAMILIAL ADENOMATOUS POLYPOSIS 1, ATTENUATED; POLYPOSIS, ADENOMATOUS INTESTINAL. Identifiers: MedGen C2713442, MONDO:0021056, OMIM 175100. Disease mechanism: loss of function.

Submission:

Labcorp Genetics (formerly Invitae), Labcorp
Classification: Uncertain significance for Familial adenomatous polyposis 1. Last evaluated: 2024-12-29. Review status: criteria provided, single submitter. Criteria: Invitae Variant Classification Sherloc (09022015). Collection method: clinical testing. Allele origin: germline.
Comment: This variant occurs in a non-coding region of the APC gene. It does not change the encoded amino acid sequence of the APC protein. This variant is not present in population databases (gnomAD no frequency). This variant has not been reported in the literature in individuals affected with APC-related conditions. Experimental studies and prediction algorithms are not available or were not evaluated, and the functional significance of this variant is currently unknown. In summary, the available evidence is currently insufficient to determine the role of this variant in disease. Therefore, it has been classified as a Variant of Uncertain Significance.

NC_000005.10:g.112707444T>A

Gene: APC (APC regulator of Wnt signaling pathway; plus strand). Cytogenetic location: 5q22.2.
Variant type: single nucleotide variant.
Genome position: GRCh38 VCF-style: chr5-112707444-T-A. GRCh37 (hg19) VCF-style: chr5-112043141-T-A.
Identifiers: ClinVar variation 1010884 (VCV001010884.8), dbSNP rs1213502095, ClinGen allele CA1573442306.